The following is an entry in ClinVar:

ClinVar aggregate classification (germline): Uncertain significance. Review status: criteria provided, multiple submitters, no conflicts (2 of 4 stars). 2 submissions from 2 submitters: Uncertain significance (2). Last evaluated 2025-08-26.

Conditions:
Severe myoclonic epilepsy in infancy (DRVT). Also called: SEVERE MYOCLONIC EPILEPSY OF INFANCY; DEVELOPMENTAL AND EPILEPTIC ENCEPHALOPATHY 6A; Dravet syndrome; Epileptic encephalopathy, early infantile, 6 (Dravet syndrome); Severe Myoclonic Epilepsy in Infancy (SMEI). Identifiers: Orphanet 33069, MedGen C0751122, MONDO:0100135, OMIM 607208.
Inborn genetic diseases. Identifiers: MedGen C0950123, MeSH D030342.

Allele frequency attached by ClinVar (database versions not stated): gnomAD 0.00001; gnomAD exomes 0.00001; TOPMed 0.00002.
gnomAD v4.1: 14 of 1,512,044 alleles (0.00093%); highest among the groups gnomAD compares: African/African-American, 0.0029%; no homozygotes.

Submissions (2):

Ambry Genetics
Classification: Uncertain significance for Inborn genetic diseases. Last evaluated: 2025-08-26. Review status: criteria provided, single submitter. Criteria: Ambry Variant Classification Scheme 2023. Collection method: clinical testing. Allele origin: germline.

Labcorp Genetics (formerly Invitae), Labcorp
Classification: Uncertain significance for Severe myoclonic epilepsy in infancy. Last evaluated: 2021-12-22. Review status: criteria provided, single submitter. Criteria: Invitae Variant Classification Sherloc (09022015). Collection method: clinical testing. Allele origin: germline.
Comment: In summary, the available evidence is currently insufficient to determine the role of this variant in disease. Therefore, it has been classified as a Variant of Uncertain Significance. Algorithms developed to predict the effect of missense changes on protein structure and function are either unavailable or do not agree on the potential impact of this missense change (SIFT: "Deleterious"; PolyPhen-2: "Benign"; Align-GVGD: "Class C0"). ClinVar contains an entry for this variant (Variation ID: 957017). This variant has not been reported in the literature in individuals affected with SNX27-related conditions. This variant is not present in population databases (gnomAD no frequency). This sequence change replaces asparagine, which is neutral and polar, with aspartic acid, which is acidic and polar, at codon 71 of the SNX27 protein (p.Asn71Asp).

NM_001330723.2(SNX27):c.211A>G (p.Asn71Asp)

Gene: SNX27 (sorting nexin 27; plus strand). Cytogenetic location: 1q21.3.
Variant type: single nucleotide variant.
Coding change: c.211A>G on transcript NM_001330723.2 (MANE Select); coding-DNA position 211, A replaced by G.
Protein change: p.Asn71Asp; replaces asparagine 71 with aspartic acid.
Molecular consequence: missense variant.
Genome position (GRCh38, 1-based): chr1:151,612,412, A>G. VCF-style: chr1-151612412-A-G. GRCh37 (hg19) VCF-style: chr1-151584888-A-G.
Other names: c.211A>G, p.Asn71Asp (NM_030918.6); short protein forms N71D.
Identifiers: ClinVar variation 957017 (VCV000957017.9), dbSNP rs1225201475, ClinGen allele CA341974316.